The following is an entry in ClinVar:

ClinVar aggregate classification (germline): Uncertain significance (1 of 4 stars; one submission).

Conditions:
PXDN-related disorder. Also called: PXDN-related condition.

gnomAD v4.1: 1 of 1,613,012 alleles (0.000062%); highest among the groups gnomAD compares: East Asian, 0.0022%; no homozygotes.

Submission:

PreventionGenetics, part of Exact Sciences
Classification: Uncertain significance for PXDN-related condition. Last evaluated: 2024-12-30. Review status: criteria provided, single submitter. Criteria: ACMG Guidelines, 2015. Collection method: clinical testing. Allele origin: germline.
Comment: The PXDN c.669A>C variant is predicted to result in the amino acid substitution p.Glu223Asp. To our knowledge, this variant has not been reported in the literature or in a large population database (gnomAD), indicating this variant is rare. At this time, the clinical significance of this variant is uncertain due to the absence of conclusive functional and genetic evidence.

NM_012293.3(PXDN):c.669A>C (p.Glu223Asp)

Gene: PXDN (peroxidasin; minus strand). Cytogenetic location: 2p25.3.
Variant type: single nucleotide variant.
Coding change: c.669A>C on transcript NM_012293.3 (MANE Select); coding-DNA position 669, A replaced by C.
Protein change: p.Glu223Asp; replaces glutamic acid 223 with aspartic acid.
Molecular consequence: missense variant.
Genome position (GRCh38, 1-based): chr2:1,680,254, T>G on the plus strand (A>C on the coding strand, the complement: PXDN is on the minus strand). VCF-style: chr2-1680254-T-G. GRCh37 (hg19) VCF-style: chr2-1684026-T-G.
Other names: short protein forms E223D.
Identifiers: ClinVar variation 4978310 (VCV004978310.1).
Genomic context (GRCh38, chr2:1,680,254, plus strand): 5'-ACAGTTCAGCTCTTCCGGGGTGATGGTTGCCACTGAGCGTCCCTGGATGCGTCTGGGATA[T>G]TCACAGATGGCCGCTGCCTGCGCGTTCCCCGACTCCGCGTAGGTTTTCAGCAAATCCGCC-3'
Protein context (NP_036425.1, residues 213-233): SGNAQAAAIC[Glu223Asp]YPRRIQGRSV